The following is an entry in ClinVar:

NM_001267550.2(TTN):c.96985C>T (p.Pro32329Ser)

Genes: TTN (titin; minus strand), TTN-AS1 (TTN antisense RNA 1; plus strand). Cytogenetic location: 2q31.2.
Variant type: single nucleotide variant.
Coding change: c.96985C>T on transcript NM_001267550.2 (MANE Select); coding-DNA position 96985, C replaced by T.
Protein change: p.Pro32329Ser; replaces proline 32329 with serine.
Molecular consequence: missense variant.
Genome position (GRCh38, 1-based): chr2:178,542,869, G>A on the plus strand (C>T on the coding strand, the complement: TTN is on the minus strand). VCF-style: chr2-178542869-G-A. GRCh37 (hg19) VCF-style: chr2-179407596-G-A.
Other names: c.92062C>T, p.Pro30688Ser (NM_001256850.1); c.69790C>T, p.Pro23264Ser (NM_003319.4); c.89281C>T, p.Pro29761Ser (NM_133378.4); c.70165C>T, p.Pro23389Ser (NM_133432.3); c.70366C>T, p.Pro23456Ser (NM_133437.4); short protein forms P23264S, P23389S, P23456S, P29761S, P30688S, P32329S.
Identifiers: ClinVar variation 1677172 (VCV001677172.1), dbSNP rs759641873, ClinGen allele CA1986651.

ClinVar aggregate classification (germline): Uncertain significance (1 of 4 stars; one submission).

Allele frequency attached by ClinVar (database versions not stated): ExAC 0.00001; gnomAD exomes 0.00001.
gnomAD v4.1: 2 of 1,613,744 alleles (0.00012%); highest among the groups gnomAD compares: African/African-American, 0.0013%; no homozygotes.

Submission:

Women's Health and Genetics/Laboratory Corporation of America, LabCorp
Classification: Uncertain significance. Last evaluated: 2022-03-21. Review status: criteria provided, single submitter. Criteria: LabCorp Variant Classification Summary - May 2015. Collection method: clinical testing. Allele origin: germline.
Comment: Variant summary: TTN c.89281C>T (p.Pro29761Ser) results in a non-conservative amino acid change located in the A-band region of the encoded protein sequence. Three of five in-silico tools predict a damaging effect of the variant on protein function. The variant allele was found at a frequency of 8.1e-06 in 247632 control chromosomes. The available data on variant occurrences in the general population are insufficient to allow any conclusion about variant significance. To our knowledge, no occurrence of c.89281C>T in individuals affected with Dilated Cardiomyopathy and no experimental evidence demonstrating its impact on protein function have been reported. No clinical diagnostic laboratories have submitted clinical-significance assessments for this variant to ClinVar after 2014. Based on the evidence outlined above, the variant was classified as uncertain significance.